The following is an entry in ClinVar:

ClinVar aggregate classification (germline): Pathogenic (1 of 4 stars; one submission).

Conditions:
Autoimmune lymphoproliferative syndrome type 1. Also called: AUTOIMMUNE LYMPHOPROLIFERATIVE SYNDROME, TYPE I, AUTOSOMAL DOMINANT. Identifiers: Orphanet 3261, MedGen C2717884, MONDO:0011158, OMIM 601859.

Submission:

Labcorp Genetics (formerly Invitae), Labcorp
Classification: Pathogenic for Autoimmune lymphoproliferative syndrome. Last evaluated: 2025-10-03. Review status: criteria provided, single submitter. Criteria: Invitae Variant Classification Sherloc (09022015). Collection method: clinical testing. Allele origin: germline.
Comment: This sequence change creates a premature translational stop signal (p.Asn216Ilefs*7) in the FAS gene. While this is not anticipated to result in nonsense mediated decay, it is expected to disrupt the last 120 amino acid(s) of the FAS protein. This variant is not present in population databases (gnomAD no frequency). This variant has not been reported in the literature in individuals affected with FAS-related conditions. This variant disrupts a region of the FAS protein in which other variant(s) (p.Ile310Ser) have been determined to be pathogenic (PMID: 9028957, 21490157; internal data). This suggests that this is a clinically significant region of the protein, and that variants that disrupt it are likely to be disease-causing. For these reasons, this variant has been classified as Pathogenic.

Literature cited by the submitters: PubMed 9028957; PubMed 21490157.

NM_000043.6(FAS):c.647del (p.Asn216fs)

Gene: FAS (Fas cell surface death receptor; plus strand). Cytogenetic location: 10q23.31.
Variant type: Deletion.
Coding change: c.647del on transcript NM_000043.6 (MANE Select); coding-DNA position 647, one base deleted (A; older notation c.647delA).
Protein change: p.Asn216fs; shifts the reading frame from asparagine 216.
Molecular consequence: frameshift variant. On other transcripts: non-coding transcript variant (6), intron variant (1).
Genome position (GRCh38, 1-based): chr10:89,012,077, A deleted; the last of 3 consecutive A bases (chr10:89,012,075-89,012,077); deleting any one gives the same sequence. VCF-style (leftmost placement, unchanged base first): chr10-89012074-TA-T. GRCh37 (hg19) VCF-style: chr10-90771831-TA-T.
Other names: c.692del, p.Asn231fs (NM_001410956.1); c.584del, p.Asn195fs (NM_152871.4); c.647del, p.Asn216fs (NM_152872.4); c.568+1262del (NM_001320619.2); short protein forms N195fs, N216fs, N231fs.
Identifiers: ClinVar variation 4728404 (VCV004728404.1).
Genomic context (GRCh38, chr10:89,012,074, plus strand): 5'-TACAGAAAACATGCAGAAAGCACAGAAAGGAAAACCAAGGTTCTCATGAATCTCCAACTT[TA>T]AATCCTGTAGGTATTGAAATAGGTATCAGCTTTCCTTGAAAAGAAAAATAGAGAAATTAG-3'